The following is an entry in ClinVar:

NM_020822.3(KCNT1):c.3651C>G (p.Ser1217Arg)

Gene: KCNT1 (potassium sodium-activated channel subfamily T member 1; plus strand). Cytogenetic location: 9q34.3.
Variant type: single nucleotide variant.
Coding change: c.3651C>G on transcript NM_020822.3 (MANE Select); coding-DNA position 3651, C replaced by G.
Protein change: p.Ser1217Arg; replaces serine 1217 with arginine.
Molecular consequence: missense variant.
Genome position (GRCh38, 1-based): chr9:135,792,104, C>G. VCF-style: chr9-135792104-C-G. GRCh37 (hg19) VCF-style: chr9-138683950-C-G.
Other names: c.3579C>G, p.Ser1193Arg (NM_001272003.2); short protein forms S1193R, S1217R.
Identifiers: ClinVar variation 947475 (VCV000947475.10), dbSNP rs756986311, ClinGen allele CA5328009.

ClinVar aggregate classification (germline): Uncertain significance (1 of 4 stars; one submission).

Conditions:
Autosomal dominant nocturnal frontal lobe epilepsy 5. Also called: KCNT1-Related Epilepsy; CILIARY DYSKINESIA, PRIMARY, 28, WITHOUT SITUS INVERSUS; CILIARY DYSKINESIA, PRIMARY, 28, WITH SITUS INVERSUS; Epilepsy, nocturnal frontal lobe, 5. Identifiers: Orphanet 98784, MedGen C3554306, MONDO:0014002, OMIM 615005.
Developmental and epileptic encephalopathy, 14 (DEE14). Also called: Early infantile epileptic encephalopathy 14. Identifiers: Orphanet 293181, MedGen C3554195, MONDO:0013989, OMIM 614959.

Allele frequency attached by ClinVar (database versions not stated): gnomAD 0.00001; TOPMed 0.00001; gnomAD exomes 0.00002; ExAC 0.00003.
gnomAD v4.1: 18 of 1,604,480 alleles (0.0011%); highest among the groups gnomAD compares: Admixed American, 0.0033%; no homozygotes.

Submission:

Labcorp Genetics (formerly Invitae), Labcorp
Classification: Uncertain significance for Autosomal dominant nocturnal frontal lobe epilepsy 5; Developmental and epileptic encephalopathy, 14. Last evaluated: 2025-12-29. Review status: criteria provided, single submitter. Criteria: Invitae Variant Classification Sherloc (09022015). Collection method: clinical testing. Allele origin: germline.
Comment: This sequence change replaces serine, which is neutral and polar, with arginine, which is basic and polar, at codon 1217 of the KCNT1 protein (p.Ser1217Arg). This variant is present in population databases (rs756986311, gnomAD 0.004%). This variant has not been reported in the literature in individuals affected with KCNT1-related conditions. ClinVar contains an entry for this variant (Variation ID: 947475). Invitae Evidence Modeling of protein sequence and biophysical properties (such as structural, functional, and spatial information, amino acid conservation, physicochemical variation, residue mobility, and thermodynamic stability) indicates that this missense variant is not expected to disrupt KCNT1 protein function with a negative predictive value of 80%. In summary, the available evidence is currently insufficient to determine the role of this variant in disease. Therefore, it has been classified as a Variant of Uncertain Significance.